The following is an entry in ClinVar:

ClinVar aggregate classification (germline): Likely pathogenic. Review status: criteria provided, multiple submitters, no conflicts (2 of 4 stars). 2 submissions from 2 submitters: Likely pathogenic (2). Last evaluated 2025-12-11.

Conditions:
Inborn genetic diseases. Identifiers: MedGen C0950123, MeSH D030342.
DDX41-related hematologic malignancy predisposition syndrome. Also called: Myeloproliferative/lymphoproliferative neoplasms, familial (multiple types), susceptibility to; DDX41-Associated Familial Myelodysplastic Syndrome and Acute Myeloid Leukemia. Identifiers: Orphanet 488647, MedGen C4225174, MONDO:0014809, OMIM 616871.

Submissions (2):

Ambry Genetics
Classification: Likely pathogenic for Inborn genetic diseases. Last evaluated: 2025-12-11. Review status: criteria provided, single submitter. Criteria: Ambry Variant Classification Scheme 2023. Collection method: clinical testing. Allele origin: germline.
Comment: The p.Y36* variant (also known as c.108T>A), located in coding exon 2 of the DDX41 gene, results from a T to A substitution at nucleotide position 108. This changes the amino acid from a tyrosine to a stop codon within coding exon 2. The predicted stop codon occurs in the 5&rsquo; end of thegene. Premature termination codons in the 5&rsquo; end of a gene have been reported to escape nonsense-mediated mRNAdecay and/or lead to re-initiation (Rivas et al. Science. 2015 May 8;348(6235):666-9; Lindeboom et al. Nat Genet. 2016 Oct;48(10):1112-8; Rhee et al. Sci Rep. 2017 May 10;7(1):1653). Direct evidence for this alteration is unavailable, however premature termination codons are typically deleterious in nature. This variant is considered to be rare based on population cohorts in the Genome Aggregation Database (gnomAD). Based on the majority of available evidence to date, this variant is likely to be pathogenic.

Baylor Genetics
Classification: Likely pathogenic for DDX41-related hematologic malignancy predisposition syndrome. Last evaluated: 2023-04-03. Review status: criteria provided, single submitter. Criteria: ACMG Guidelines, 2015. Collection method: clinical testing. Allele origin: unknown.

NM_016222.4(DDX41):c.108T>A (p.Tyr36Ter)

Gene: DDX41 (DEAD-box helicase 41; minus strand). Cytogenetic location: 5q35.3.
Variant type: single nucleotide variant.
Coding change: c.108T>A on transcript NM_016222.4 (MANE Select); coding-DNA position 108, T replaced by A.
Protein change: p.Tyr36Ter; replaces tyrosine 36 with a stop codon.
Molecular consequence: nonsense. On other transcripts: 5 prime UTR variant (2).
Genome position (GRCh38, 1-based): chr5:177,516,755, A>T on the plus strand (T>A on the coding strand, the complement: DDX41 is on the minus strand). VCF-style: chr5-177516755-A-T. GRCh37 (hg19) VCF-style: chr5-176943756-A-T.
Other names: c.108T>A (NM_016222.2); c.-548T>A (NM_001321732.2); c.-340T>A (NM_001321830.2); short protein forms Y36*.
Identifiers: ClinVar variation 2674792 (VCV002674792.2), dbSNP rs2532091583, ClinGen allele CA362377782.
Genomic context (GRCh38, chr5:177,516,755, plus strand): 5'-CCCATCCCTCCCCGGACGCGTGCCCCTCACCAGTAGCTGCCGGCGCTGCCGTAACGGCAC[A>T]TAGGGCACGTAGTCCTCGTCGTCCTCATCTTCCGCCTCGGAGCGGCTTCCTCCGGCAGGC-3'